The following is an entry in ClinVar:

ClinVar aggregate classification (germline): Likely pathogenic (1 of 4 stars; one submission).

Conditions:
Autosomal recessive nonsyndromic hearing loss 9. Also called: NEUROSENSORY NONSYNDROMIC RECESSIVE DEAFNESS 9; OTOF-Related Hearing Loss; Deafness, autosomal recessive 9; AUDITORY NEUROPATHY, AUTOSOMAL RECESSIVE, 1, TEMPERATURE-SENSITIVE. Identifiers: Orphanet 90636, MedGen C1832828, MONDO:0010986, OMIM 601071.

Submission:

Institute of Rare Diseases, West China Hospital, Sichuan University
Classification: Likely pathogenic for Autosomal recessive nonsyndromic hearing loss 9. Last evaluated: 2025-01-09. Review status: criteria provided, single submitter. Criteria: ClinGen HL ACMG Specifications v1. Collection method: research. Allele origin: germline. Affected: yes.
Comment: PVS1;PM2_Supporting

NM_194248.3(OTOF):c.5813+1G>A

Gene: OTOF (otoferlin; minus strand). Cytogenetic location: 2p23.3.
Variant type: single nucleotide variant.
Coding change: c.5813+1G>A on transcript NM_194248.3 (MANE Select); the canonical splice donor site of the intron after coding-DNA position 5813, G replaced by A.
Molecular consequence: splice donor variant.
Genome position (GRCh38, 1-based): chr2:26,460,646, C>T on the plus strand (G>A on the coding strand, the complement: OTOF is on the minus strand). VCF-style: chr2-26460646-C-T. GRCh37 (hg19) VCF-style: chr2-26683514-C-T.
Other names: c.5813+1G>A (NM_001287489.2); c.3512+1G>A (NM_194323.3, NM_004802.4); c.3743+1G>A (NM_194322.3).
Identifiers: ClinVar variation 3601559 (VCV003601559.1).